The following is an entry in ClinVar:

NM_018089.3(ANKZF1):c.1354G>C (p.Ala452Pro)

Gene: ANKZF1 (ankyrin repeat and zinc finger peptidyl tRNA hydrolase 1; plus strand). Cytogenetic location: 2q35.
Variant type: single nucleotide variant.
Coding change: c.1354G>C on transcript NM_018089.3 (MANE Select); coding-DNA position 1354, G replaced by C.
Protein change: p.Ala452Pro; replaces alanine 452 with proline.
Molecular consequence: missense variant.
Genome position (GRCh38, 1-based): chr2:219,234,975, G>C. VCF-style: chr2-219234975-G-C. GRCh37 (hg19) VCF-style: chr2-220099697-G-C.
Other names: c.1354G>C, p.Ala452Pro (NM_001042410.2); c.724G>C, p.Ala242Pro (NM_001282792.2); short protein forms A452P, A242P.
Identifiers: ClinVar variation 3716857 (VCV003716857.2).

ClinVar aggregate classification (germline): Uncertain significance (1 of 4 stars; one submission).

gnomAD v4.1: 21 of 1,614,124 alleles (0.0013%); highest among the groups gnomAD compares: Non-Finnish European, 0.0017%; no homozygotes.

Submission:

Labcorp Genetics (formerly Invitae), Labcorp
Classification: Uncertain significance. Last evaluated: 2024-04-25. Review status: criteria provided, single submitter. Criteria: Invitae Variant Classification Sherloc (09022015). Collection method: clinical testing. Allele origin: germline.
Comment: This sequence change replaces alanine, which is neutral and non-polar, with proline, which is neutral and non-polar, at codon 452 of the ANKZF1 protein (p.Ala452Pro). This variant is present in population databases (rs763178651, gnomAD 0.004%). This variant has not been reported in the literature in individuals affected with ANKZF1-related conditions. An algorithm developed to predict the effect of missense changes on protein structure and function (PolyPhen-2) suggests that this variant is likely to be tolerated. In summary, the available evidence is currently insufficient to determine the role of this variant in disease. Therefore, it has been classified as a Variant of Uncertain Significance.